The following is an entry in ClinVar:

NM_000642.3(AGL):c.4283A>T (p.Tyr1428Phe)

Gene: AGL (amylo-alpha-1,6-glucosidase and 4-alpha-glucanotransferase; plus strand). Cytogenetic location: 1p21.2.
Variant type: single nucleotide variant.
Coding change: c.4283A>T on transcript NM_000642.3 (MANE Select); coding-DNA position 4283, A replaced by T.
Protein change: p.Tyr1428Phe; replaces tyrosine 1428 with phenylalanine.
Molecular consequence: missense variant.
Genome position (GRCh38, 1-based): chr1:99,916,433, A>T. VCF-style: chr1-99916433-A-T. GRCh37 (hg19) VCF-style: chr1-100381989-A-T.
Other names: c.4283A>T, p.Tyr1428Phe (NM_000028.3, NM_000643.3, NM_000644.3 and 1 more transcripts); c.4235A>T, p.Tyr1412Phe (NM_000646.3); c.4262A>T, p.Tyr1421Phe (NM_001425326.1); c.4082A>T, p.Tyr1361Phe (NM_001425327.1); c.4079A>T, p.Tyr1360Phe (NM_001425328.1); c.3944A>T, p.Tyr1315Phe (NM_001425329.1); c.3905A>T, p.Tyr1302Phe (NM_001425332.1); short protein forms Y1302F, Y1315F, Y1412F, Y1421F, Y1428F, Y1360F, Y1361F.
Identifiers: ClinVar variation 5003531 (VCV005003531.1).

ClinVar aggregate classification (germline): Uncertain significance (1 of 4 stars; one submission).

Conditions:
Glycogen storage disease type III (GSD3). Also called: Cori disease; FORBES DISEASE. Identifiers: Orphanet 366, MedGen C0017922, MONDO:0009291, OMIM 232400.

Submission:

Myriad Genetics, Inc.
Classification: Uncertain significance for Glycogen storage disease type III. Last evaluated: 2026-01-26. Review status: criteria provided, single submitter. Criteria: Myriad Autosomal Dominant, Autosomal Recessive and X-Linked Classification Criteria (2023). Collection method: clinical testing. Allele origin: unknown.
Comment: NM_000642.2(AGL):c.4283A>T(Y1428F) is a missense variant classified as a variant of uncertain significance in the context of glycogen storage disease type III. Y1428F has not been observed in cases with relevant disease. Relevant functional assessments of this variant are not available in the literature. Y1428F has not been observed in referenced population frequency databases. In summary, there is insufficient evidence to classify NM_000642.2(AGL):c.4283A>T(Y1428F) as pathogenic or benign. Please note: this variant was assessed in the context of healthy population screening.